The following is an entry in ClinVar:

NM_000152.5(GAA):c.2434G>A (p.Asp812Asn)

Gene: GAA (alpha glucosidase; plus strand). Cytogenetic location: 17q25.3.
Variant type: single nucleotide variant.
Coding change: c.2434G>A on transcript NM_000152.5 (MANE Select); coding-DNA position 2434, G replaced by A.
Protein change: p.Asp812Asn; replaces aspartic acid 812 with asparagine.
Molecular consequence: missense variant.
Genome position (GRCh38, 1-based): chr17:80,117,702, G>A. VCF-style: chr17-80117702-G-A. GRCh37 (hg19) VCF-style: chr17-78091501-G-A.
Other names: c.2434G>A, p.Asp812Asn (NM_001079803.3, NM_001079804.3); short protein forms D812N.
Identifiers: ClinVar variation 918084 (VCV000918084.3), dbSNP rs1433117170, ClinGen allele CA401325193.
Genomic context (GRCh38, chr17:80,117,702, plus strand): 5'-GCTCCCCGTGAGCCAGCCATCCACAGCGAGGGGCAGTGGGTGACGCTGCCGGCCCCCCTG[G>A]ACACCATCAACGTCCACCTCCGGGCTGGGTACATCATCCCCCTGCAGGTACCTGGGCCAG-3'
Protein context (NP_000143.2, residues 802-822): GQWVTLPAPL[Asp812Asn]TINVHLRAGY

ClinVar aggregate classification (germline): Conflicting classifications of pathogenicity. Review status: criteria provided, conflicting classifications (1 of 4 stars). 2 submissions from 2 submitters: Pathogenic (1); Uncertain significance (1). Last evaluated 2026-07-01.

Conditions:
Glycogen storage disease, type II (IOPD). Also called: CARDIOMEGALIA GLYCOGENICA DIFFUSA; Glycogen storage disease type 2; Acid maltase deficiency disease; Aglucosidase alfa; Deficiency of alpha-glucosidase; Deficiency of lysosomal alpha-glucosidase. Identifiers: Orphanet 365, MedGen C0017921, MONDO:0009290, OMIM 232300.

Allele frequency attached by ClinVar (database versions not stated): gnomAD exomes below 0.00001.
gnomAD v4.1: 1 of 1,612,338 alleles (0.000062%); highest among the groups gnomAD compares: South Asian, 0.0011%; no homozygotes.

Submissions (2):

Genomenon, Inc
Classification: Uncertain significance for Glycogen storage disease, type II. Last evaluated: 2026-07-01. Review status: criteria provided, single submitter. Criteria: Genomenon Sequence Variant Interpretation Standards - Updated. Collection method: curation. Allele origin: germline. Affected: no.
Comment: GAA p.Asp812Asn (c.2434G>A) is a missense variant that changes the amino acid at codon 812 from Aspartic acid to Asparagine. This variant has been reported in the published literature (PMID:37507255). It is absent or not present at a significant frequency in gnomAD. In conclusion, we classify GAA p.Asp812Asn (c.2434G>A) as a variant of uncertain significance.

Medical Molecular Genetics Department, National Research Center
Classification: Pathogenic for Glycogen storage disease, type II. Last evaluated: 2019-12-01. Review status: criteria provided, single submitter. Criteria: ACMG Guidelines, 2015. Collection method: clinical testing. Allele origin: germline. Affected: yes. Observed: 1 variant allele.

Literature cited by the submitters: PubMed 37507255 (cited by Genomenon, Inc).